The following is an entry in ClinVar:

ClinVar aggregate classification (germline): Uncertain significance. Review status: criteria provided, multiple submitters, no conflicts (2 of 4 stars). 4 submissions from 4 submitters: Uncertain significance (3). 1 of the submissions does not count toward it. Last evaluated 2023-04-11.

Conditions:
Glycogen storage disease type III (GSD3). Also called: FORBES DISEASE; Cori disease. Identifiers: Orphanet 366, MedGen C0017922, MONDO:0009291, OMIM 232400.

Allele frequency attached by ClinVar (database versions not stated): TOPMed 0.00001.
gnomAD v4.1: 19 of 1,614,056 alleles (0.0012%); highest among the groups gnomAD compares: Non-Finnish European, 0.0016%; no homozygotes.

Submissions (4):

Genome-Nilou Lab
Classification: Uncertain significance for Glycogen storage disease type III. Last evaluated: 2023-04-11. Review status: criteria provided, single submitter. Criteria: ACMG Guidelines, 2015. Collection method: clinical testing. Allele origin: germline. Affected: no.

Labcorp Genetics (formerly Invitae), Labcorp
Classification: Uncertain significance for Glycogen storage disease type III. Last evaluated: 2022-02-18. Review status: criteria provided, single submitter. Criteria: Invitae Variant Classification Sherloc (09022015). Collection method: clinical testing. Allele origin: germline.
Comment: This sequence change replaces proline, which is neutral and non-polar, with glutamine, which is neutral and polar, at codon 414 of the AGL protein (p.Pro414Gln). This variant is present in population databases (rs758882822, gnomAD 0.002%). This variant has not been reported in the literature in individuals affected with AGL-related conditions. ClinVar contains an entry for this variant (Variation ID: 967966). Algorithms developed to predict the effect of missense changes on protein structure and function are either unavailable or do not agree on the potential impact of this missense change (SIFT: "Deleterious"; PolyPhen-2: "Probably Damaging"; Align-GVGD: "Class C0"). In summary, the available evidence is currently insufficient to determine the role of this variant in disease. Therefore, it has been classified as a Variant of Uncertain Significance.

Fulgent Genetics
Classification: Uncertain significance for Glycogen storage disease type III. Last evaluated: 2021-07-01. Review status: criteria provided, single submitter. Criteria: ACMG Guidelines, 2015. Collection method: clinical testing. Allele origin: unknown.

Natera, Inc.
Classification: Uncertain significance for Glycogen storage disease type III. Last evaluated: 2021-06-29. Review status: no assertion criteria provided. Collection method: clinical testing. Allele origin: germline. Not counted in ClinVar's aggregate classification.

NM_000642.3(AGL):c.1241C>A (p.Pro414Gln)

Gene: AGL (amylo-alpha-1,6-glucosidase and 4-alpha-glucanotransferase; plus strand). Cytogenetic location: 1p21.2.
Variant type: single nucleotide variant.
Coding change: c.1241C>A on transcript NM_000642.3 (MANE Select); coding-DNA position 1241, C replaced by A.
Protein change: p.Pro414Gln; replaces proline 414 with glutamine.
Molecular consequence: missense variant.
Genome position (GRCh38, 1-based): chr1:99,875,413, C>A. VCF-style: chr1-99875413-C-A. GRCh37 (hg19) VCF-style: chr1-100340969-C-A.
Other names: c.1241C>A, p.Pro414Gln (NM_001425326.1, NM_001425325.1, NM_000028.3 and 2 more transcripts); c.1037C>A, p.Pro346Gln (NM_001425328.1, NM_001425329.1); c.1193C>A, p.Pro398Gln (NM_000646.3); c.863C>A, p.Pro288Gln (NM_001425332.1); short protein forms P414Q, P398Q, P288Q, P346Q.
Identifiers: ClinVar variation 967966 (VCV000967966.12), dbSNP rs758882822, ClinGen allele CA966438.